The following is an entry in ClinVar:

ClinVar aggregate classification (germline): Uncertain significance (1 of 4 stars; one submission).

Conditions:
Hereditary cancer-predisposing syndrome. Also called: Neoplastic Syndromes, Hereditary; Tumor predisposition; Hereditary Cancer Syndrome; Hereditary neoplastic syndrome. Identifiers: Orphanet 140162, MedGen C0027672, MeSH D009386, MONDO:0015356.

Submission:

Ambry Genetics
Classification: Uncertain significance for Hereditary cancer-predisposing syndrome. Last evaluated: 2014-10-13. Review status: criteria provided, single submitter. Criteria: Ambry Autosomal Dominant and X-Linked criteria (10/2015). Collection method: clinical testing. Allele origin: germline. Observed: 1 variant allele.
Comment: The p.Q803R variant (also known as c.2408A>G), located in coding exon 20 of the NF1 gene, results from an A to G substitution at nucleotide position 2408. The glutamine at codon 803 is replaced by arginine, an amino acid with some highly similar properties. This variant was not reported in population based cohorts in the following databases: Database of Single Nucleotide Polymorphisms (dbSNP), NHLBI Exome Sequencing Project (ESP), and 1000 Genomes Project. In the ESP, this variant was not observed in 6503 samples (13006 alleles) with coverage at this position. To date, this alteration has been detected with an allele frequency of approximately 0.01% (greater than 11000 alleles tested) in our clinical cohort. This amino acid position is highly conserved in available vertebrate species. In addition, this alteration is predicted to be possibly damaging but tolerated by PolyPhen and SIFT in silico analyses, respectively. Since supporting evidence is limited at this time, the clinical significance of p.Q803R remains unclear.

NM_001042492.3(NF1):c.2408A>G (p.Gln803Arg)

Gene: NF1 (neurofibromin 1; plus strand). Cytogenetic location: 17q11.2.
Variant type: single nucleotide variant.
Coding change: c.2408A>G on transcript NM_001042492.3 (MANE Select); coding-DNA position 2408, A replaced by G.
Protein change: p.Gln803Arg; replaces glutamine 803 with arginine.
Molecular consequence: missense variant.
Genome position (GRCh38, 1-based): chr17:31,227,605, A>G. VCF-style: chr17-31227605-A-G. GRCh37 (hg19) VCF-style: chr17-29554623-A-G.
Other names: c.2408A>G, p.Gln803Arg (NM_000267.4); short protein forms Q803R.
Identifiers: ClinVar variation 186468 (VCV000186468.3), dbSNP rs786202976, ClinGen allele CA194909.